The following is an entry in ClinVar:

ClinVar aggregate classification (germline): Conflicting classifications of pathogenicity. Review status: criteria provided, conflicting classifications (1 of 4 stars). 6 submissions from 6 submitters: Uncertain significance (4); Likely benign (2). Last evaluated 2026-08-04.

Conditions:
Autosomal recessive limb-girdle muscular dystrophy type 2J (LGMDR10). Also called: MUSCULAR DYSTROPHY, LIMB-GIRDLE, AUTOSOMAL RECESSIVE 10; Limb-girdle muscular dystrophy, type 2J. Identifiers: Orphanet 140922, MedGen C1837342, MONDO:0012127, OMIM 608807.
Dilated cardiomyopathy 1G (CMD1G). Identifiers: Orphanet 154, MedGen C1858763, MONDO:0011400, OMIM 604145.
TTN-related disorder. Also called: TTN-related condition; TTN-related disease; TTN-related disorders.

Allele frequency attached by ClinVar (database versions not stated): gnomAD exomes 0.00002 and 0.00006; ExAC 0.00005; ESP Exome Variant Server 0.00008; gnomAD 0.00020 and 0.00022; TOPMed 0.00026.
gnomAD v4.1: 55 of 1,613,850 alleles (0.0034%); highest among the groups gnomAD compares: African/African-American, 0.072%; no homozygotes.

Submissions (6):

PreventionGenetics, part of Exact Sciences
Classification: Uncertain significance for TTN-related condition. Last evaluated: 2026-08-04. Review status: criteria provided, single submitter. Criteria: ACMG Guidelines, 2015. Collection method: clinical testing. Allele origin: germline.
Comment: The TTN c.28829G>A variant is predicted to result in the amino acid substitution p.Ser9610Asn. To our knowledge, this variant has not been reported in the literature. This variant is reported in 0.087% of alleles in individuals of African descent in gnomAD. Although we suspect that this variant may be benign, at this time, the clinical significance of this variant is uncertain due to the absence of conclusive functional and genetic evidence.

Molecular Diagnostic Laboratory for Inherited Cardiovascular Disease, Montreal Heart Institute
Classification: Likely benign. Last evaluated: 2025-04-09. Review status: criteria provided, single submitter. Criteria: ACMG Guidelines, 2015. Collection method: clinical testing. Allele origin: germline. Affected: no.

Women's Health and Genetics/Laboratory Corporation of America, LabCorp
Classification: Uncertain significance. Last evaluated: 2023-07-09. Review status: criteria provided, single submitter. Criteria: LabCorp Variant Classification Summary - May 2015. Collection method: clinical testing. Allele origin: germline.

Revvity Omics, Revvity
Classification: Uncertain significance. Last evaluated: 2019-08-28. Review status: criteria provided, single submitter. Criteria: ACMG Guidelines, 2015. Collection method: clinical testing. Allele origin: germline.

Athena Diagnostics
Classification: Likely benign. Last evaluated: 2018-09-24. Review status: criteria provided, single submitter. Criteria: Athena Diagnostics Criteria. Collection method: clinical testing. Allele origin: germline.

Labcorp Genetics (formerly Invitae), Labcorp
Classification: Uncertain significance for Dilated cardiomyopathy 1G; Autosomal recessive limb-girdle muscular dystrophy type 2J. Last evaluated: 2016-01-10. Review status: criteria provided, single submitter. Criteria: Invitae Variant Classification Sherloc (09022015). Collection method: clinical testing. Allele origin: germline.

NM_001267550.2(TTN):c.28829G>A (p.Ser9610Asn)

Gene: TTN (titin; minus strand). Cytogenetic location: 2q31.2.
Variant type: single nucleotide variant.
Coding change: c.28829G>A on transcript NM_001267550.2 (MANE Select); coding-DNA position 28829, G replaced by A.
Protein change: p.Ser9610Asn; replaces serine 9610 with asparagine.
Molecular consequence: missense variant. On other transcripts: intron variant (3).
Genome position (GRCh38, 1-based): chr2:178,707,738, C>T on the plus strand (G>A on the coding strand, the complement: TTN is on the minus strand). VCF-style: chr2-178707738-C-T. GRCh37 (hg19) VCF-style: chr2-179572465-C-T.
Other names: c.27878G>A, p.Ser9293Asn (NM_001256850.1); c.25097G>A, p.Ser8366Asn (NM_133378.4); c.13282+30344G>A (NM_003319.4); c.13858+30344G>A (NM_133437.4); c.13657+30344G>A (NM_133432.3); short protein forms S9610N, S8366N, S9293N.
Identifiers: ClinVar variation 238735 (VCV000238735.10), dbSNP rs371759532, ClinGen allele CA1999512.